The following is an entry in ClinVar:

NC_000009.11:g.(?_140938206)_(140948478_?)del

Gene: CACNA1B (calcium voltage-gated channel subunit alpha1 B; plus strand). Cytogenetic location: 9q34.3.
Variant type: Deletion.
Identifiers: ClinVar variation 3245290 (VCV003245290.1).

ClinVar aggregate classification (germline): Pathogenic (1 of 4 stars; one submission).

Submission:

Labcorp Genetics (formerly Invitae), Labcorp
Classification: Pathogenic. Last evaluated: 2023-11-27. Review status: criteria provided, single submitter. Criteria: Invitae Variant Classification Sherloc (09022015). Collection method: clinical testing. Allele origin: unknown.
Comment: This variant is a gross deletion of the genomic region encompassing exon(s) 21-26 of the CACNA1B gene. This deletion is out-of-frame, and is expected to create a premature termination codon and result in an absent or disrupted protein product. Loss-of-function variants in CACNA1B are known to be pathogenic (PMID: 30982612). This variant has not been reported in the literature in individuals affected with CACNA1B-related conditions. For these reasons, this variant has been classified as Pathogenic.

Literature cited by the submitters: PubMed 30982612.